The following is an entry in ClinVar:

ClinVar aggregate classification (germline): Uncertain significance. Review status: criteria provided, multiple submitters, no conflicts (2 of 4 stars). 2 submissions from 2 submitters: Uncertain significance (2). Last evaluated 2023-09-20.

Conditions:
Inborn genetic diseases. Identifiers: MedGen C0950123, MeSH D030342.

Allele frequency attached by ClinVar (database versions not stated): TOPMed below 0.00001.
gnomAD v4.1: 12 of 1,609,654 alleles (0.00075%); highest among the groups gnomAD compares: Non-Finnish European, 0.00093%; no homozygotes.

Submissions (2):

Ambry Genetics
Classification: Uncertain significance for Inborn genetic diseases. Last evaluated: 2023-09-20. Review status: criteria provided, single submitter. Criteria: Ambry Variant Classification Scheme 2023. Collection method: clinical testing. Allele origin: germline.

Labcorp Genetics (formerly Invitae), Labcorp
Classification: Uncertain significance. Last evaluated: 2022-03-09. Review status: criteria provided, single submitter. Criteria: Invitae Variant Classification Sherloc (09022015). Collection method: clinical testing. Allele origin: germline.
Comment: This sequence change replaces proline, which is neutral and non-polar, with leucine, which is neutral and non-polar, at codon 1564 of the BPTF protein (p.Pro1564Leu). This variant is present in population databases (rs752708632, gnomAD 0.003%). This variant has not been reported in the literature in individuals affected with BPTF-related conditions. Algorithms developed to predict the effect of missense changes on protein structure and function are either unavailable or do not agree on the potential impact of this missense change (SIFT: "Tolerated"; PolyPhen-2: "Possibly Damaging"; Align-GVGD: "Class C0"). In summary, the available evidence is currently insufficient to determine the role of this variant in disease. Therefore, it has been classified as a Variant of Uncertain Significance.

NM_182641.4(BPTF):c.4313C>T (p.Pro1438Leu)

Gene: BPTF (bromodomain PHD finger transcription factor; plus strand). Cytogenetic location: 17q24.2.
Variant type: single nucleotide variant.
Coding change: c.4313C>T on transcript NM_182641.4 (MANE Select); coding-DNA position 4313, C replaced by T.
Protein change: p.Pro1438Leu; replaces proline 1438 with leucine.
Molecular consequence: missense variant.
Genome position (GRCh38, 1-based): chr17:67,912,197, C>T. VCF-style: chr17-67912197-C-T. GRCh37 (hg19) VCF-style: chr17-65908313-C-T.
Other names: c.4691C>T, p.Pro1564Leu (NM_004459.7); c.4313C>T (NM_182641.3); short protein forms P1438L, P1564L.
Identifiers: ClinVar variation 2034788 (VCV002034788.5), dbSNP rs752708632, ClinGen allele CA8725785.